The following is an entry in ClinVar:

ClinVar aggregate classification (germline): Uncertain significance (1 of 4 stars; one submission).

Allele frequency attached by ClinVar (database versions not stated): TOPMed below 0.00001.
gnomAD v4.1: 62 of 1,506,020 alleles (0.0041%); highest among the groups gnomAD compares: Non-Finnish European, 0.0054%; no homozygotes.

Submission:

Labcorp Genetics (formerly Invitae), Labcorp
Classification: Uncertain significance. Last evaluated: 2023-02-25. Review status: criteria provided, single submitter. Criteria: Invitae Variant Classification Sherloc (09022015). Collection method: clinical testing. Allele origin: germline.
Comment: This sequence change replaces arginine, which is basic and polar, with proline, which is neutral and non-polar, at codon 46 of the SORL1 protein (p.Arg46Pro). ClinVar contains an entry for this variant (Variation ID: 1509841). This variant has not been reported in the literature in individuals affected with SORL1-related conditions. In summary, the available evidence is currently insufficient to determine the role of this variant in disease. Therefore, it has been classified as a Variant of Uncertain Significance. An algorithm developed to predict the effect of missense changes on protein structure and function (PolyPhen-2) suggests that this variant is likely to be tolerated. This variant is not present in population databases (gnomAD no frequency).

NM_003105.6(SORL1):c.137G>C (p.Arg46Pro)

Genes: SORL1 (sortilin related receptor 1; plus strand), SORL1-AS1 (SORL1 antisense RNA 1; minus strand). Cytogenetic location: 11q24.1.
Variant type: single nucleotide variant.
Coding change: c.137G>C on transcript NM_003105.6 (MANE Select); coding-DNA position 137, G replaced by C.
Protein change: p.Arg46Pro; replaces arginine 46 with proline.
Molecular consequence: missense variant.
Genome position (GRCh38, 1-based): chr11:121,452,468, G>C. VCF-style: chr11-121452468-G-C. GRCh37 (hg19) VCF-style: chr11-121323177-G-C.
Other names: short protein forms R46P.
Identifiers: ClinVar variation 1509841 (VCV001509841.8), dbSNP rs949112777, ClinGen allele CA229939084.